The following is an entry in ClinVar:

ClinVar aggregate classification (germline): Uncertain significance. Review status: criteria provided, multiple submitters, no conflicts (2 of 4 stars). 2 submissions from 2 submitters: Uncertain significance (2). Last evaluated 2024-01-12.

Conditions:
Hemolytic anemia due to hexokinase deficiency (CNSHA5). Also called: HEMOLYTIC ANEMIA, NONSPHEROCYTIC, DUE TO HEXOKINASE DEFICIENCY; Non-spherocytic hemolytic anemia due to hexokinase deficiency; ANEMIA, CONGENITAL, NONSPHEROCYTIC HEMOLYTIC, 5; Hexokinase deficiency hemolytic anemia. Identifiers: Orphanet 90031, MedGen C3150343, MONDO:0009340, OMIM 235700.
Neurodevelopmental disorder with visual defects and brain anomalies. Identifiers: MedGen C5231404, MONDO:0032807, OMIM 618547.
Retinitis pigmentosa 79 (RP79). Identifiers: MedGen C4479526, MONDO:0044320, OMIM 617460.
Charcot-Marie-Tooth disease type 4G. Also called: CHARCOT-MARIE-TOOTH NEUROPATHY, TYPE 4G; CHARCOT-MARIE-TOOTH DISEASE, DEMYELINATING, TYPE 4G; Neuropathy, hereditary motor and sensory, Russe type. Identifiers: Orphanet 99953, MedGen C1854449, MONDO:0011534, OMIM 605285.

Allele frequency attached by ClinVar (database versions not stated): gnomAD 0.00001; gnomAD exomes 0.00001 and 0.00002; TOPMed 0.00001.
gnomAD v4.1: 24 of 1,612,096 alleles (0.0015%); highest among the groups gnomAD compares: African/African-American, 0.0027%; no homozygotes.

Submissions (2):

Labcorp Genetics (formerly Invitae), Labcorp
Classification: Uncertain significance. Last evaluated: 2024-01-12. Review status: criteria provided, single submitter. Criteria: Invitae Variant Classification Sherloc (09022015). Collection method: clinical testing. Allele origin: germline.
Comment: This sequence change replaces arginine, which is basic and polar, with glutamine, which is neutral and polar, at codon 517 of the HK1 protein (p.Arg517Gln). The frequency data for this variant in the population databases is considered unreliable, as metrics indicate poor data quality at this position in the gnomAD database. This variant has not been reported in the literature in individuals affected with HK1-related conditions. ClinVar contains an entry for this variant (Variation ID: 971751). Advanced modeling of protein sequence and biophysical properties (such as structural, functional, and spatial information, amino acid conservation, physicochemical variation, residue mobility, and thermodynamic stability) performed at Invitae indicates that this missense variant is not expected to disrupt HK1 protein function with a negative predictive value of 80%. In summary, the available evidence is currently insufficient to determine the role of this variant in disease. Therefore, it has been classified as a Variant of Uncertain Significance.

Department of Pathology and Laboratory Medicine, Sinai Health System
Classification: Uncertain significance for Hemolytic anemia due to hexokinase deficiency; Charcot-Marie-Tooth disease type 4G; Retinitis pigmentosa 79; Neurodevelopmental disorder with visual defects and brain anomalies. Last evaluated: 2021-07-30. Review status: criteria provided, single submitter. Criteria: ACMG Guidelines, 2015. Collection method: research. Allele origin: germline.

NM_000188.3(HK1):c.1550G>A (p.Arg517Gln)

Gene: HK1 (hexokinase 1; plus strand). Cytogenetic location: 10q22.1.
Variant type: single nucleotide variant.
Coding change: c.1550G>A on transcript NM_000188.3 (MANE Select); coding-DNA position 1550, G replaced by A.
Protein change: p.Arg517Gln; replaces arginine 517 with glutamine.
Molecular consequence: missense variant.
Genome position (GRCh38, 1-based): chr10:69,382,771, G>A. VCF-style: chr10-69382771-G-A. GRCh37 (hg19) VCF-style: chr10-71142527-G-A.
Other names: c.1562G>A, p.Arg521Gln (NM_001322364.2, NM_001358263.1, NM_033497.3 and 1 more transcripts); c.1655G>A, p.Arg552Gln (NM_001322365.2); c.1466G>A, p.Arg489Gln (NM_001322366.1); c.1454G>A, p.Arg485Gln (NM_001322367.1); c.1547G>A, p.Arg516Gln (NM_033496.3); c.1514G>A, p.Arg505Gln (NM_033500.2); short protein forms R517Q, R552Q, R485Q, R505Q, R489Q, R521Q, R516Q.
Identifiers: ClinVar variation 971751 (VCV000971751.11), dbSNP rs1202293213, ClinGen allele CA376910318.
Genomic context (GRCh38, chr10:69,382,771, plus strand): 5'-TGGGGCTGAGGAAGCAGACGCACAACAATGCCGTGGTTAAGATGCTGCCCTCCTTCGTCC[G>A]GAGAACTCCCGACGGGACCGGTGAGGGCCTGCTGGGGGCTGACATGCCTGTCCTGCTCCT-3'
Protein context (NP_000179.2, residues 507-527): AVVKMLPSFV[Arg517Gln]RTPDGTENGD